The following is an entry in ClinVar:

ClinVar aggregate classification (germline): Uncertain significance. Review status: criteria provided, multiple submitters, no conflicts (2 of 4 stars). 3 submissions from 3 submitters: Uncertain significance (2). 1 of the submissions does not count toward it. Last evaluated 2025-09-22.

Conditions:
Charcot-Marie-Tooth disease type 2. Also called: Charcot-Marie-Tooth type 2. Identifiers: Orphanet 64746, MedGen C0270914, MONDO:0018993.
Cardiomyopathy (CMYO). Also called: Cardiomyopathies. Identifiers: Orphanet 167848, MedGen C0878544, MONDO:0004994, HP:0001638. Inheritance: Various modes of inheritance.
LMNA-related disorder. Also called: LMNA-related condition; LMNA-related disease; LMNA-related disorders. Identifiers: MedGen CN380145.

Submissions (3):

Color Diagnostics, LLC DBA Color Health
Classification: Uncertain significance for Cardiomyopathy. Last evaluated: 2025-09-22. Review status: criteria provided, single submitter. Criteria: ACMG Guidelines, 2015. Collection method: clinical testing. Allele origin: germline.
Comment: This missense variant replaces glycine with cysteine at codon 634 of the LMNA protein. Computational prediction is inconclusive regarding the impact of this variant on protein structure and function. To our knowledge, functional studies have not been reported for this variant. This variant has not been reported in individuals affected with LMNA-related disorders in the literature. This variant has not been identified in the general population by the Genome Aggregation Database (gnomAD). The available evidence is insufficient to determine the role of this variant in disease conclusively. Therefore, this variant is classified as a Variant of Uncertain Significance.

Labcorp Genetics (formerly Invitae), Labcorp
Classification: Uncertain significance for Charcot-Marie-Tooth disease type 2. Last evaluated: 2025-06-12. Review status: criteria provided, single submitter. Criteria: Invitae Variant Classification Sherloc (09022015). Collection method: clinical testing. Allele origin: germline.
Comment: This sequence change replaces glycine, which is neutral and non-polar, with cysteine, which is neutral and slightly polar, at codon 634 of the LMNA protein (p.Gly634Cys). This variant is not present in population databases (gnomAD no frequency). This variant has not been reported in the literature in individuals affected with LMNA-related conditions. ClinVar contains an entry for this variant (Variation ID: 1979797). Invitae Evidence Modeling of protein sequence and biophysical properties (such as structural, functional, and spatial information, amino acid conservation, physicochemical variation, residue mobility, and thermodynamic stability) indicates that this missense variant is expected to disrupt LMNA protein function with a positive predictive value of 80%. In summary, the available evidence is currently insufficient to determine the role of this variant in disease. Therefore, it has been classified as a Variant of Uncertain Significance.

PreventionGenetics, part of Exact Sciences
Classification: Uncertain significance for LMNA-related condition. Last evaluated: 2024-05-21. Review status: no assertion criteria provided. Collection method: clinical testing. Allele origin: germline. Not counted in ClinVar's aggregate classification.
Comment: The LMNA c.1900G>T variant is predicted to result in the amino acid substitution p.Gly634Cys. To our knowledge, this variant has not been reported in the literature or in a large population database, indicating this variant is rare. Two alternate missense changes have been reported in individuals with LMNA-related phenotypes; however, three alternate missense changes are present in a total of 14 heterozygous individuals of unknown phenotype in the v.4.1.0 version of the gnomAD database (Tremblay-Gravel et al. 2023. PubMed ID: 36548481; Dron et al. 2020. PubMed ID: 32041611). At this time, the clinical significance of this variant is uncertain due to the absence of conclusive functional and genetic evidence.

NM_170707.4(LMNA):c.1900G>T (p.Gly634Cys)

Gene: LMNA (lamin A/C; plus strand). Cytogenetic location: 1q22.
Variant type: single nucleotide variant.
Coding change: c.1900G>T on transcript NM_170707.4 (MANE Select); coding-DNA position 1900, G replaced by T.
Protein change: p.Gly634Cys; replaces glycine 634 with cysteine.
Molecular consequence: missense variant. On other transcripts: intron variant (1).
Genome position (GRCh38, 1-based): chr1:156,138,689, G>T. VCF-style: chr1-156138689-G-T. GRCh37 (hg19) VCF-style: chr1-156108480-G-T.
Other names: c.1900G>T (NM_170707.3); c.1564G>T, p.Gly522Cys (NM_001257374.3, NM_001406989.1); c.1900G>T, p.Gly634Cys (NM_001406983.1, NM_001406985.1, NM_001406991.1); c.1657G>T, p.Gly553Cys (NM_001406986.1, NM_001406987.1); c.1603G>T, p.Gly535Cys (NM_001406988.1); c.1342G>T, p.Gly448Cys (NM_001406990.1, NM_001406993.1, NM_001406995.1 and 2 more transcripts); c.1276G>T, p.Gly426Cys (NM_001406994.1, NM_001406999.1, NM_001407000.1 and 1 more transcripts); c.1810G>T, p.Gly604Cys (NM_170708.4); and 1 more; short protein forms G426C, G553C, G604C, G634C, G522C, G448C, G535C.
Identifiers: ClinVar variation 1979797 (VCV001979797.5), dbSNP rs879254188, ClinGen allele CA342827755.